The following is an entry in ClinVar:

ClinVar aggregate classification (germline): Conflicting classifications of pathogenicity. Review status: criteria provided, conflicting classifications (1 of 4 stars). 10 submissions from 10 submitters: Uncertain significance (3); Benign (1); Likely benign (6). Last evaluated 2026-01-27.

Conditions:
MYOZ2-related disorder. Also called: MYOZ2-related condition.
Cardiovascular phenotype. Identifiers: MedGen CN230736.
Cardiomyopathy (CMYO). Also called: Cardiomyopathies. Identifiers: Orphanet 167848, MedGen C0878544, MONDO:0004994, HP:0001638. Inheritance: Various modes of inheritance.
Hypertrophic cardiomyopathy 16. Identifiers: MedGen C3151204, MONDO:0013455, OMIM 613838.
Restrictive cardiomyopathy. Identifiers: Orphanet 217632, MedGen C0007196, MeSH D002313, MONDO:0005201, HP:0001723.
Hypertrophic cardiomyopathy. Also called: HYPERTROPHIC MYOCARDIOPATHY. Identifiers: Orphanet 217569, MedGen C0007194, MeSH D002312, MONDO:0005045, HP:0001639.

Allele frequency attached by ClinVar (database versions not stated): gnomAD exomes 0.00009; ExAC 0.00015; 1000 Genomes Project 30x 0.00031; 1000 Genomes Project 0.00040; gnomAD 0.00054 and 0.00058; TOPMed 0.00065; ESP Exome Variant Server 0.00085.
gnomAD v4.1: 133 of 1,614,154 alleles (0.0082%); highest among the groups gnomAD compares: African/African-American, 0.17%; no homozygotes.

Submissions (10):

Labcorp Genetics (formerly Invitae), Labcorp
Classification: Likely benign for Hypertrophic cardiomyopathy. Last evaluated: 2026-01-27. Review status: criteria provided, single submitter. Criteria: Invitae Variant Classification Sherloc (09022015). Collection method: clinical testing. Allele origin: germline.

Women's Health and Genetics/Laboratory Corporation of America, LabCorp
Classification: Likely benign. Last evaluated: 2025-04-07. Review status: criteria provided, single submitter. Criteria: LabCorp Variant Classification Summary - May 2015. Collection method: clinical testing. Allele origin: germline.

PreventionGenetics, part of Exact Sciences
Classification: Likely benign for MYOZ2-related condition. Last evaluated: 2025-03-21. Review status: criteria provided, single submitter. Criteria: ACMG Guidelines, 2015. Collection method: clinical testing. Allele origin: germline.
Comment: This variant is classified as likely benign based on ACMG/AMP sequence variant interpretation guidelines (Richards et al. 2015 PMID: 25741868, with internal and published modifications).

Center for Genomics, Ann and Robert H. Lurie Children's Hospital of Chicago
Classification: Uncertain significance for Hypertrophic cardiomyopathy 16. Last evaluated: 2021-03-30. Review status: criteria provided, single submitter. Criteria: ACMG Guidelines, 2015. Collection method: clinical testing. Allele origin: germline.
Comment: MYOZ2 NM_016599.4 exon 5 p.Leu163Ser (c.488T>C): This variant has been reported in the literature in one individual with HCM (Cecconi 2016 PMID:27600940). This variant is also present in 0.1% (43/24948) of African alleles in the Genome Aggregation Database and is present in ClinVar, with multiple labs classifying this variant as likely benign (Variation ID:45784). However, evolutionary conservation and computational predictive tools suggest that this variant may impact the protein. In summary, data on this variant is insufficient for disease classification. Therefore, the clinical significance of this variant is uncertain.

GeneDx
Classification: Likely benign. Last evaluated: 2020-09-08. Review status: criteria provided, single submitter. Criteria: GeneDx Variant Classification Process June 2021. Collection method: clinical testing. Allele origin: germline. Affected: yes.
Comment: This variant is associated with the following publications: (PMID: 27600940)

CHEO Genetics Diagnostic Laboratory, Children's Hospital of Eastern Ontario
Classification: Benign for Cardiomyopathy. Last evaluated: 2019-11-07. Review status: criteria provided, single submitter. Criteria: ACMG Guidelines, 2015. Collection method: clinical testing. Allele origin: germline.

Ambry Genetics
Classification: Likely benign for Cardiovascular phenotype. Last evaluated: 2019-04-16. Review status: criteria provided, single submitter. Criteria: Ambry Variant Classification Scheme 2023. Collection method: clinical testing. Allele origin: germline.

Center for Advanced Laboratory Medicine, UC San Diego Health, University of California San Diego
Classification: Likely benign for Restrictive cardiomyopathy. Last evaluated: 2018-08-13. Review status: criteria provided, single submitter. Criteria: ACMG Guidelines, 2015. Collection method: clinical testing. Allele origin: germline. Affected: yes. Observed: 1 variant allele.

Fulgent Genetics
Classification: Uncertain significance for Hypertrophic cardiomyopathy 16. Last evaluated: 2017-05-23. Review status: criteria provided, single submitter. Criteria: ACMG Guidelines, 2015. Collection method: clinical testing. Allele origin: unknown.

Laboratory for Molecular Medicine, Mass General Brigham Personalized Medicine
Classification: Uncertain significance. Last evaluated: 2012-07-19. Review status: criteria provided, single submitter. Criteria: LMM Criteria. Collection method: clinical testing. Allele origin: germline. Observed: 1 variant allele.
Comment: Variant classified as Uncertain Significance - Favor Benign. The Leu163Ser varia nt in MYOZ2 has been identified in 0.25% (11/4406) of African American chromosom es from a broad population by the NHLBI Exome Sequencing Project (.; dbSNP rs143345726). Computational analyses (biochemical ami no acid properties, conservation, AlignGVGD, PolyPhen2, and SIFT) do not provide strong support for or against an impact to the normal function of the protein. While the observed frequency of this variant suggests that it is more likely to be benign, it is too low to confidently rule out a disease causing role. Additio nal information is needed to fully assess its clinical significance.

NM_016599.5(MYOZ2):c.488T>C (p.Leu163Ser)

Gene: MYOZ2 (myozenin 2; plus strand). Cytogenetic location: 4q26.
Variant type: single nucleotide variant.
Coding change: c.488T>C on transcript NM_016599.5 (MANE Select); coding-DNA position 488, T replaced by C.
Protein change: p.Leu163Ser; replaces leucine 163 with serine.
Molecular consequence: missense variant.
Genome position (GRCh38, 1-based): chr4:119,164,322, T>C. VCF-style: chr4-119164322-T-C. GRCh37 (hg19) VCF-style: chr4-120085477-T-C.
Other names: p.L163S:TTA>TCA; short protein forms L163S.
Identifiers: ClinVar variation 45784 (VCV000045784.28), dbSNP rs143345726, ClinGen allele CA282614.